The following is an entry in ClinVar:

ClinVar aggregate classification (germline): Pathogenic/Likely pathogenic. Review status: criteria provided, multiple submitters, no conflicts (2 of 4 stars). 6 submissions from 6 submitters: Pathogenic (5); Likely pathogenic (1). Last evaluated 2025-07-01.

Conditions:
CHARGE syndrome (CHARGE). Also called: Hittner Hirsch Kreh syndrome; Coloboma, heart anomaly, choanal atresia, retardation, genital and ear anomalies; CHARGE association; Hall-Hittner syndrome; CHARGE ASSOCIATION--COLOBOMA, HEART ANOMALY, CHOANAL ATRESIA, RETARDATION, GENITAL AND EAR ANOMALIES. Identifiers: Orphanet 138, MedGen C0265354, MONDO:0008965.

Submissions (6):

CeGaT Center for Human Genetics Tuebingen
Classification: Pathogenic. Last evaluated: 2025-07-01. Review status: criteria provided, single submitter. Criteria: CeGaT Center For Human Genetics Tuebingen Variant Classification Criteria Version 2. Collection method: clinical testing. Allele origin: germline. Affected: yes. Observed: 1 variant allele.
Comment: CHD7: PS2, PS4, PM2

Labcorp Genetics (formerly Invitae), Labcorp
Classification: Pathogenic for CHARGE syndrome. Last evaluated: 2025-05-22. Review status: criteria provided, single submitter. Criteria: Invitae Variant Classification Sherloc (09022015). Collection method: clinical testing. Allele origin: germline.
Comment: This sequence change falls in intron 23 of the CHD7 gene. It does not directly change the encoded amino acid sequence of the CHD7 protein. It affects a nucleotide within the consensus splice site. This variant is not present in population databases (gnomAD no frequency). This variant has been observed in individual(s) with CHARGE syndrome (PMID: 21554267, 29178447, 35047002). In at least one individual the variant was observed to be de novo. ClinVar contains an entry for this variant (Variation ID: 547193). Variants that disrupt the consensus splice site are a relatively common cause of aberrant splicing (PMID: 17576681, 9536098). Algorithms developed to predict the effect of sequence changes on RNA splicing suggest that this variant may disrupt the consensus splice site. For these reasons, this variant has been classified as Pathogenic.

3billion
Classification: Pathogenic for CHD7-related CHARGE syndrome. Last evaluated: 2024-08-05. Review status: criteria provided, single submitter. Criteria: ACMG Guidelines, 2015. Collection method: clinical testing. Allele origin: germline. Affected: yes.
Comment: The variant is not observed in the gnomAD v4.0.0 dataset. Predicted Consequence/Location: Intron variant In silico tools predict the variant to alter splicing and produce an abnormal transcript [SpliceAI: 0.51 (>=0.2, moderate evidence for spliceogenicity)]. The variant has been previously reported as de novo in a similarly affected individual (PMID: 21554267). The variant has been observed in at least two similarly affected unrelated individuals (PMID: 21554267, 29178447, 35047002). The variant has been reported at least twice as pathogenic with clinical assertions and evidence for the classification (ClinVar ID: VCV000547193 /PMID: 21554267). Therefore, this variant is classified as Pathogenic according to the recommendation of ACMG/AMP guideline.

New York Genome Center
Classification: Pathogenic for CHD7-related CHARGE syndrome. Last evaluated: 2022-10-26. Review status: criteria provided, single submitter. Criteria: NYGC Assertion Criteria 2020. Collection method: clinical testing. Allele origin: de novo. Affected: yes. Observed: 1 heterozygote. Study: PrenatalSEQ.
Comment: The de novo c.5210+3A>G variant identified in the CHD7 gene has previously been reported in four individuals meeting clinical criteria for CHARGE syndrome [PMID: 21554267, 29178447, 35047002] and it has been deposited in ClinVar [ClinVar ID: 547193] as Pathogenic/Likely Pathogenic. This variant is absent from population databases (gnomAD v2.1.1 and v3.1.2, TOPMed Freeze 8, All of Us), suggesting it is not a common benign variant in the populations represented in those databases. The c.5210+3A>G variant is located in the donor splice region of exon 23 of this 37-exon gene and is predicted to affect mRNA splicing (Splice AI = 0.45(acceptor loss) and 0.51 (donor loss)) which might result in loss-of-function via exon skipping or intron retention; however, there are no functional studies to support or refute this prediction. Based on available evidence this de novo c.5210+3A>G variant identified in CHD7 is classified here as Pathogenic.

Dasa
Classification: Likely pathogenic for CHARGE syndrome. Last evaluated: 2022-02-05. Review status: criteria provided, single submitter. Criteria: ACMG Guidelines, 2015. Collection method: clinical testing. Allele origin: germline. Affected: yes. Observed: 1 variant allele.
Comment: This sequence change has been observed in affected individual(s) and ClinVar contains an entry for this variant (Clinvar ID: 547193; PMID: 29178447; 29300383) - PS4. This variant is not present in population databases (rs1554602588; gnomAD; ABraOM no frequency) - PM2. In summary, the currently available evidence indicates that the variant is likely pathogenic.

Center for Human Genetics, Inc
Classification: Pathogenic for CHARGE syndrome. Last evaluated: 2016-11-01. Review status: criteria provided, single submitter. Criteria: ACMG Guidelines, 2015. Collection method: clinical testing. Allele origin: germline. Affected: yes.

Literature cited by the submitters: PubMed 21554267 (cited by 3 submitters); PubMed 29178447 (cited by 4 submitters); PubMed 35047002 (cited by 3 submitters); PubMed 17576681 (cited by Labcorp Genetics (formerly Invitae), Labcorp); PubMed 9536098 (cited by Labcorp Genetics (formerly Invitae), Labcorp); PubMed 29300383 (cited by Dasa).

NM_017780.4(CHD7):c.5210+3A>G

Gene: CHD7 (chromodomain helicase DNA binding protein 7; plus strand). Cytogenetic location: 8q12.2.
Variant type: single nucleotide variant.
Coding change: c.5210+3A>G on transcript NM_017780.4 (MANE Select); 3 bases into the intron after coding-DNA position 5210, A replaced by G.
Molecular consequence: intron variant.
Genome position (GRCh38, 1-based): chr8:60,845,412, A>G. VCF-style: chr8-60845412-A-G. GRCh37 (hg19) VCF-style: chr8-61757971-A-G.
Other names: c.1717-16817A>G (NM_001316690.1).
Identifiers: ClinVar variation 547193 (VCV000547193.14), dbSNP rs1554602588, ClinGen allele CA658821726.